The following is an entry in ClinVar:

ClinVar aggregate classification (germline): Conflicting classifications of pathogenicity. Review status: criteria provided, conflicting classifications (1 of 4 stars). 3 submissions from 3 submitters: Uncertain significance (1); Likely benign (1). 1 of the submissions does not count toward it. Last evaluated 2025-11-25.

Conditions:
COL2A1-related disorder. Also called: COL2A1-related condition; COL2A1-related disorders.
Spondyloepiphyseal dysplasia, Namaqualand type.

Allele frequency attached by ClinVar (database versions not stated): gnomAD exomes 0.00001; ExAC 0.00003.
gnomAD v4.1: 5 of 1,612,984 alleles (0.00031%); highest among the groups gnomAD compares: East Asian, 0.0089%; no homozygotes.

Submissions (3):

3billion
Classification: Uncertain significance for COL2A1-related disorder. Last evaluated: 2025-11-25. Review status: criteria provided, single submitter. Criteria: ACMG Guidelines, 2015. Collection method: clinical testing. Allele origin: germline. Affected: yes.
Comment: The variant is observed at an extremely low frequency in the gnomAD v4.1.0 dataset (total allele frequency: <0.001%). Predicted Consequence/Location: The variant is located in a mutational hot spot and/or well-established functional domain in which established pathogenic variants have been reported (PMID: 26626311). Damaging effect on gene or gene product predicted by in silico programs is uncertain [REVEL: 0.56 (damaging >=0.6, benign <0.4), 3Cnet: 0.09 (damaging >0.75, benign <0.1)]. The same nucleotide change resulting in the same amino acid change has been previously reported to be associated with COL2A1-related disorder (ClinVar ID: VCV001065332 /PMID: 34122524). However, the evidence of pathogenicity is insufficient at this time. Therefore, this variant is classified as VUS according to the recommendation of ACMG/AMP guideline.

Labcorp Genetics (formerly Invitae), Labcorp
Classification: Likely benign. Last evaluated: 2025-03-05. Review status: criteria provided, single submitter. Criteria: Invitae Variant Classification Sherloc (09022015). Collection method: clinical testing. Allele origin: germline.

Department of Pediatrics, Inha University Hospital, Inha University College of Medicine
Classification: Likely pathogenic for spondyloepiphyseal dysplasia, Namaqualand type. Review status: no assertion criteria provided. Collection method: clinical testing. Allele origin: maternal. Affected: yes. Not counted in ClinVar's aggregate classification.

Literature cited by the submitters: PubMed 34122524 (cited by 3billion).

NM_001844.5(COL2A1):c.2756C>T (p.Pro919Leu)

Gene: COL2A1 (collagen type II alpha 1 chain; minus strand). Cytogenetic location: 12q13.11.
Variant type: single nucleotide variant.
Coding change: c.2756C>T on transcript NM_001844.5 (MANE Select); coding-DNA position 2756, C replaced by T.
Protein change: p.Pro919Leu; replaces proline 919 with leucine.
Molecular consequence: missense variant.
Genome position (GRCh38, 1-based): chr12:47,978,736, G>A on the plus strand (C>T on the coding strand, the complement: COL2A1 is on the minus strand). VCF-style: chr12-47978736-G-A. GRCh37 (hg19) VCF-style: chr12-48372519-G-A.
Other names: c.2549C>T, p.Pro850Leu (NM_033150.3); short protein forms P850L, P919L.
Identifiers: ClinVar variation 1065332 (VCV001065332.3), dbSNP rs768207318, ClinGen allele CA6534987.